The following is an entry in ClinVar:

NM_001329943.3(KIAA0586):c.859A>C (p.Met287Leu)

Gene: KIAA0586 (KIAA0586; plus strand). Cytogenetic location: 14q23.1.
Variant type: single nucleotide variant.
Coding change: c.859A>C on transcript NM_001329943.3 (MANE Select); coding-DNA position 859, A replaced by C.
Protein change: p.Met287Leu; replaces methionine 287 with leucine.
Molecular consequence: missense variant.
Genome position (GRCh38, 1-based): chr14:58,448,391, A>C. VCF-style: chr14-58448391-A-C. GRCh37 (hg19) VCF-style: chr14-58915109-A-C.
Other names: c.1018A>C, p.Met340Leu (NM_001244189.2); c.814A>C, p.Met272Leu (NM_001244190.2); c.604A>C, p.Met202Leu (NM_001244191.2, NM_001329945.2, NM_001364700.1 and 1 more transcripts); c.727A>C, p.Met243Leu (NM_001244192.2); c.439A>C, p.Met147Leu (NM_001244193.2); c.859A>C, p.Met287Leu (NM_001329944.2, NM_001329946.2, NM_001329947.2 and 1 more transcripts); short protein forms M147L, M243L, M287L, M272L, M202L, M340L.
Identifiers: ClinVar variation 1383349 (VCV001383349.6), dbSNP rs2140662489, ClinGen allele CA389863924.

ClinVar aggregate classification (germline): Uncertain significance (1 of 4 stars; one submission).

Conditions:
Joubert syndrome 23 (JBTS23). Identifiers: Orphanet 475, MedGen C4084822, MONDO:0014664, OMIM 616490.
Short-rib thoracic dysplasia 14 with polydactyly (SRTD14). Identifiers: Orphanet 397715, MedGen C4225286, MONDO:0014688, OMIM 616546.

Allele frequency attached by ClinVar (database versions not stated): gnomAD exomes below 0.00001.

Submission:

Labcorp Genetics (formerly Invitae), Labcorp
Classification: Uncertain significance for Joubert syndrome 23; Short-rib thoracic dysplasia 14 with polydactyly. Last evaluated: 2021-09-26. Review status: criteria provided, single submitter. Criteria: Invitae Variant Classification Sherloc (09022015). Collection method: clinical testing. Allele origin: germline.
Comment: This variant is not present in population databases (ExAC no frequency). This sequence change replaces methionine with leucine at codon 340 of the KIAA0586 protein (p.Met340Leu). The methionine residue is moderately conserved and there is a small physicochemical difference between methionine and leucine. This variant has not been reported in the literature in individuals affected with KIAA0586-related conditions. In summary, the available evidence is currently insufficient to determine the role of this variant in disease. Therefore, it has been classified as a Variant of Uncertain Significance. Algorithms developed to predict the effect of missense changes on protein structure and function output the following: SIFT: "Tolerated"; PolyPhen-2: "Benign"; Align-GVGD: "Class C0". The leucine amino acid residue is found in multiple mammalian species, which suggests that this missense change does not adversely affect protein function.